The following is an entry in ClinVar:

ClinVar aggregate classification (germline): Uncertain significance (1 of 4 stars; one submission).

Conditions:
Primary familial hypertrophic cardiomyopathy (HCM). Identifiers: Orphanet 99739, MedGen C0949658, MeSH D024741, MONDO:0024573. Inheritance: Various modes of inheritance.
Hypertrophic cardiomyopathy 25 (CMH25). Also called: CARDIOMYOPATHY, FAMILIAL HYPERTROPHIC, 25. Identifiers: MedGen C4225408, MONDO:0011843, OMIM 607487.

Allele frequency attached by ClinVar (database versions not stated): gnomAD exomes below 0.00001.
gnomAD v4.1: 1 of 1,609,946 alleles (0.000062%); no homozygotes.

Submission:

Labcorp Genetics (formerly Invitae), Labcorp
Classification: Uncertain significance for Hypertrophic cardiomyopathy 25; Primary familial hypertrophic cardiomyopathy. Last evaluated: 2022-10-28. Review status: criteria provided, single submitter. Criteria: Invitae Variant Classification Sherloc (09022015). Collection method: clinical testing. Allele origin: germline.
Comment: In summary, the available evidence is currently insufficient to determine the role of this variant in disease. Therefore, it has been classified as a Variant of Uncertain Significance. Algorithms developed to predict the effect of missense changes on protein structure and function (SIFT, PolyPhen-2, Align-GVGD) all suggest that this variant is likely to be disruptive. This variant has not been reported in the literature in individuals affected with TCAP-related conditions. This variant is not present in population databases (gnomAD no frequency). This sequence change replaces glutamic acid, which is acidic and polar, with glutamine, which is neutral and polar, at codon 12 of the TCAP protein (p.Glu12Gln).

NM_003673.4(TCAP):c.34G>C (p.Glu12Gln)

Gene: TCAP (titin-cap; plus strand). Cytogenetic location: 17q12.
Variant type: single nucleotide variant.
Coding change: c.34G>C on transcript NM_003673.4 (MANE Select); coding-DNA position 34, G replaced by C.
Protein change: p.Glu12Gln; replaces glutamic acid 12 with glutamine.
Molecular consequence: missense variant.
Genome position (GRCh38, 1-based): chr17:39,665,393, G>C. VCF-style: chr17-39665393-G-C. GRCh37 (hg19) VCF-style: chr17-37821646-G-C.
Other names: short protein forms E12Q.
Identifiers: ClinVar variation 2941072 (VCV002941072.3), dbSNP rs2543737714, ClinGen allele CA399302783.